The following is an entry in ClinVar:

NM_001943.5(DSG2):c.3235G>C (p.Ala1079Pro)

Genes: DSG2 (desmoglein 2; plus strand), DSG2-AS1 (DSG2 antisense RNA 1; minus strand). Cytogenetic location: 18q12.1.
Variant type: single nucleotide variant.
Coding change: c.3235G>C on transcript NM_001943.5 (MANE Select); coding-DNA position 3235, G replaced by C.
Protein change: p.Ala1079Pro; replaces alanine 1079 with proline.
Molecular consequence: missense variant.
Genome position (GRCh38, 1-based): chr18:31,546,621, G>C. VCF-style: chr18-31546621-G-C. GRCh37 (hg19) VCF-style: chr18-29126584-G-C.
Other names: short protein forms A1079P.
Identifiers: ClinVar variation 3273857 (VCV003273857.1).

ClinVar aggregate classification (germline): Uncertain significance (1 of 4 stars; one submission).

Conditions:
Cardiovascular phenotype. Identifiers: MedGen CN230736.

gnomAD v4.1: 1 of 1,614,190 alleles (0.000062%); highest among the groups gnomAD compares: Non-Finnish European, 0.000085%; no homozygotes.

Submission:

Ambry Genetics
Classification: Uncertain significance for Cardiovascular phenotype. Last evaluated: 2024-04-21. Review status: criteria provided, single submitter. Criteria: Ambry Variant Classification Scheme 2023. Collection method: clinical testing. Allele origin: germline.
Comment: The p.A1079P variant (also known as c.3235G>C), located in coding exon 15 of the DSG2 gene, results from a G to C substitution at nucleotide position 3235. The alanine at codon 1079 is replaced by proline, an amino acid with highly similar properties. This amino acid position is conserved. In addition, this alteration is predicted to be tolerated by in silico analysis. Based on the available evidence, the clinical significance of this variant remains unclear.